The following is an entry in ClinVar:

NM_001378454.1(ALMS1):c.1A>G (p.Met1Val)

Gene: ALMS1 (ALMS1 centrosome and basal body associated protein; plus strand). Cytogenetic location: 2p13.1.
Variant type: single nucleotide variant.
Coding change: c.1A>G on transcript NM_001378454.1 (MANE Select); coding-DNA position 1, A replaced by G.
Protein change: p.Met1Val; changes the start codon (methionine 1).
Molecular consequence: missense variant, initiator codon variant.
Genome position (GRCh38, 1-based): chr2:73,385,869, A>G. VCF-style: chr2-73385869-A-G. GRCh37 (hg19) VCF-style: chr2-73612997-A-G.
Other names: c.1A>G, p.Met1Val (NM_015120.4); short protein forms M1V.
Identifiers: ClinVar variation 1348426 (VCV001348426.4), dbSNP rs1429891881, ClinGen allele CA347250317.

ClinVar aggregate classification (germline): Conflicting classifications of pathogenicity. Review status: criteria provided, conflicting classifications (1 of 4 stars). 2 submissions from 2 submitters: Likely pathogenic (1); Uncertain significance (1). Last evaluated 2025-10-16.

Conditions:
Alstrom syndrome (ALMS). Identifiers: Orphanet 64, MedGen C0268425, MONDO:0008763, OMIM 203800.

Submissions (2):

Natera, Inc.
Classification: Likely pathogenic for Alstrom syndrome. Last evaluated: 2025-10-16. Review status: criteria provided, single submitter. Criteria: Natera Variant Classification Schema (03/2026). Collection method: clinical testing. Allele origin: germline.
Comment: The c.1A>G variant in ALMS1 is predicted to result in start loss due to disruption of the initiator methionine. This variant is expected to result in nonsense mediated decay, truncation, or a dysfunctional protein product. This variant is rare in the general population with a frequency below the threshold expected for the associated phenotype(s). Given the available evidence, this variant is classified as Likely Pathogenic.

Labcorp Genetics (formerly Invitae), Labcorp
Classification: Uncertain significance for Alstrom syndrome. Last evaluated: 2022-06-27. Review status: criteria provided, single submitter. Criteria: Invitae Variant Classification Sherloc (09022015). Collection method: clinical testing. Allele origin: germline.
Comment: This sequence change affects the initiator methionine of the ALMS1 mRNA. The next in-frame methionine is located at codon 163. This variant is not present in population databases (gnomAD no frequency). This variant has not been reported in the literature in individuals affected with ALMS1-related conditions. Experimental studies and prediction algorithms are not available or were not evaluated, and the functional significance of this variant is currently unknown. In summary, the available evidence is currently insufficient to determine the role of this variant in disease. Therefore, it has been classified as a Variant of Uncertain Significance.